The following is an entry in ClinVar:

NM_003718.5(CDK13):c.1906_1908del (p.Lys636del)

Gene: CDK13 (cyclin dependent kinase 13; plus strand). Cytogenetic location: 7p14.1.
Variant type: Deletion.
Coding change: c.1906_1908del on transcript NM_003718.5 (MANE Select); coding-DNA positions 1906 to 1908, 3 bases deleted (AAA; older notation c.1906_1908delAAA).
Protein change: p.Lys636del; deletes lysine 636.
Molecular consequence: inframe indel (on NM_031267.4).
Genome position (GRCh38, 1-based): chr7:39,997,528-39,997,530, AAA deleted; deleting any 3 consecutive bases within chr7:39,997,525-39,997,530 gives the same sequence; the c. name uses the placement nearest the transcript's 3' end. VCF-style (leftmost placement, unchanged base first): chr7-39997524-TAAA-T. GRCh37 (hg19) VCF-style: chr7-40037123-TAAA-T.
Other names: c.1906_1908delAAA, p.Lys636del (NM_031267.4); short protein forms K636del.
Identifiers: ClinVar variation 2501339 (VCV002501339.32), dbSNP rs2483771537, ClinGen allele CA2580615876.

ClinVar aggregate classification (germline): Conflicting classifications of pathogenicity. Review status: criteria provided, conflicting classifications (1 of 4 stars). 4 submissions from 4 submitters: Uncertain significance (3); Likely benign (1). Last evaluated 2025-03-01.

Submissions (4):

CeGaT Center for Human Genetics Tuebingen
Classification: Uncertain significance. Last evaluated: 2025-03-01. Review status: criteria provided, single submitter. Criteria: CeGaT Center For Human Genetics Tuebingen Variant Classification Criteria Version 2. Collection method: clinical testing. Allele origin: germline. Affected: yes. Observed: 3 variant alleles.
Comment: CDK13: PM2, PM4:Supporting

Labcorp Genetics (formerly Invitae), Labcorp
Classification: Likely benign. Last evaluated: 2024-03-11. Review status: criteria provided, single submitter. Criteria: Invitae Variant Classification Sherloc (09022015). Collection method: clinical testing. Allele origin: germline.

Blueprint Genetics
Classification: Uncertain significance. Last evaluated: 2023-09-20. Review status: criteria provided, single submitter. Criteria: ACMG Guidelines, 2015. Collection method: clinical testing. Allele origin: germline.

GeneDx
Classification: Uncertain significance. Last evaluated: 2022-11-07. Review status: criteria provided, single submitter. Criteria: GeneDx Variant Classification Process June 2021. Collection method: clinical testing. Allele origin: germline. Affected: yes.
Comment: Not observed at significant frequency in large population cohorts (gnomAD); In-frame deletion of 1 amino acid in a non-repeat region; In silico analysis supports a deleterious effect on protein structure/function; Has not been previously published as pathogenic or benign to our knowledge